The following is an entry in ClinVar:

ClinVar aggregate classification (germline): Uncertain significance (1 of 4 stars; one submission).

Submission:

Labcorp Genetics (formerly Invitae), Labcorp
Classification: Uncertain significance. Last evaluated: 2022-05-18. Review status: criteria provided, single submitter. Criteria: Invitae Variant Classification Sherloc (09022015). Collection method: clinical testing. Allele origin: germline.
Comment: In summary, the available evidence is currently insufficient to determine the role of this variant in disease. Therefore, it has been classified as a Variant of Uncertain Significance. Experimental studies and prediction algorithms are not available or were not evaluated, and the functional significance of this variant is currently unknown. This variant has not been reported in the literature in individuals affected with MICU1-related conditions. This variant is present in population databases (no rsID available, gnomAD 0.004%). This variant, c.181_183del, results in the deletion of 1 amino acid(s) of the MICU1 protein (p.Pro61del), but otherwise preserves the integrity of the reading frame.

NM_001195518.2(MICU1):c.178CCA[1] (p.Pro61del)

Gene: MICU1 (mitochondrial calcium uptake 1; minus strand). Cytogenetic location: 10q22.1.
Variant type: Microsatellite.
Coding change: c.178CCA[1] on transcript NM_001195518.2 (MANE Select); one copy of the 3-base unit CCA starting at c.178; the reference has two copies in a row; one copy, 3 bases deleted.
Protein change: p.Pro61del; deletes proline 61.
Molecular consequence: inframe deletion.
Genome position (GRCh38, 1-based): chr10:72,563,042-72,563,044, TGG deleted on the plus strand (CCA on the coding strand, the reverse complement: MICU1 is on the minus strand); deleting any 3 consecutive bases within chr10:72,563,042-72,563,047 gives the same sequence; the position shown is the placement nearest the transcript's 3' end. VCF-style (leftmost placement, unchanged base first): chr10-72563041-ATGG-A. GRCh37 (hg19) VCF-style: chr10-74322799-ATGG-A.
Other names: c.178CCA[1], p.Pro61del (NM_001363513.2, NM_006077.4); short protein forms P61del.
Identifiers: ClinVar variation 1951300 (VCV001951300.4), dbSNP rs1165978361, ClinGen allele CA594508148.